The following is an entry in ClinVar:

NM_000152.5(GAA):c.2832del (p.Glu945fs)

Gene: GAA (alpha glucosidase; plus strand). Cytogenetic location: 17q25.3.
Variant type: Deletion.
Coding change: c.2832del on transcript NM_000152.5 (MANE Select); coding-DNA position 2832, one base deleted (A; older notation c.2832delA).
Protein change: p.Glu945fs; shifts the reading frame from glutamic acid 945.
Molecular consequence: frameshift variant.
Genome position (GRCh38, 1-based): chr17:80,119,304, A deleted. VCF-style (leftmost placement, unchanged base first): chr17-80119303-GA-G. GRCh37 (hg19) VCF-style: chr17-78093102-GA-G.
Other names: c.2832del, p.Glu945fs (NM_001079803.3, NM_001079804.3, NM_001406741.1 and 1 more transcripts); short protein forms E945fs.
Identifiers: ClinVar variation 4876489 (VCV004876489.1).

ClinVar aggregate classification (germline): Uncertain significance (1 of 4 stars; one submission).

Conditions:
Glycogen storage disease, type II (IOPD). Also called: Pompe Disease; CARDIOMEGALIA GLYCOGENICA DIFFUSA; GLYCOGENOSIS, GENERALIZED, CARDIAC FORM; GSD II; POMPE DISEASE, INFANTILE-ONSET; GLYCOGEN STORAGE DISEASE II, INFANTILE-ONSET. Identifiers: Orphanet 365, MedGen C0017921, MONDO:0009290, OMIM 232300.

Submission:

Genomenon, Inc
Classification: Uncertain significance for Glycogen storage disease, type II. Last evaluated: 2026-07-01. Review status: criteria provided, single submitter. Criteria: Genomenon Sequence Variant Interpretation Standards - Updated. Collection method: curation. Allele origin: germline. Affected: yes.
Comment: GAA p.Glu945SerfsTer78 (c.2832del) is a frameshift variant that results in the production of an extended protein product. This variant has been observed in at least one proband with a GAA-related disorder (PMID:35071497). It is absent or not present at a significant frequency in gnomAD. In conclusion, we classify GAA p.Glu945SerfsTer78 (c.2832del) as a variant of uncertain significance.

Literature cited by the submitters: PubMed 35071497.